The following is an entry in ClinVar:

ClinVar aggregate classification (germline): Uncertain significance (1 of 4 stars; one submission).

Conditions:
Gorlin syndrome. Also called: Nevoid Basal Cell Carcinoma Syndrome; Basal cell nevus syndrome. Identifiers: Orphanet 377, MedGen C0004779, MONDO:0007187.

Submission:

Labcorp Genetics (formerly Invitae), Labcorp
Classification: Uncertain significance for Gorlin syndrome. Last evaluated: 2021-04-26. Review status: criteria provided, single submitter. Criteria: Invitae Variant Classification Sherloc (09022015). Collection method: clinical testing. Allele origin: germline.
Comment: This variant has not been reported in the literature in individuals with PTCH2-related disease. This sequence change replaces histidine with asparagine at codon 284 of the PTCH2 protein (p.His284Asn). The histidine residue is moderately conserved and there is a small physicochemical difference between histidine and asparagine. This variant is not present in population databases (ExAC no frequency). Algorithms developed to predict the effect of missense changes on protein structure and function (SIFT, PolyPhen-2, Align-GVGD) all suggest that this variant is likely to be tolerated, but these predictions have not been confirmed by published functional studies and their clinical significance is uncertain. In summary, the available evidence is currently insufficient to determine the role of this variant in disease. Therefore, it has been classified as a Variant of Uncertain Significance.

NM_003738.5(PTCH2):c.850C>A (p.His284Asn)

Gene: PTCH2 (patched 2; minus strand). Cytogenetic location: 1p34.1.
Variant type: single nucleotide variant.
Coding change: c.850C>A on transcript NM_003738.5 (MANE Select); coding-DNA position 850, C replaced by A.
Protein change: p.His284Asn; replaces histidine 284 with asparagine.
Molecular consequence: missense variant.
Genome position (GRCh38, 1-based): chr1:44,829,994, G>T on the plus strand (C>A on the coding strand, the complement: PTCH2 is on the minus strand). VCF-style: chr1-44829994-G-T. GRCh37 (hg19) VCF-style: chr1-45295666-G-T.
Other names: c.850C>A, p.His284Asn (NM_001166292.2); short protein forms H284N.
Identifiers: ClinVar variation 524498 (VCV000524498.9), dbSNP rs1553165436, ClinGen allele CA340105140.